The following is an entry in ClinVar:

ClinVar aggregate classification (germline): Pathogenic (1 of 4 stars; one submission).

Conditions:
Cardiovascular phenotype. Identifiers: MedGen CN230736.

Submission:

Ambry Genetics
Classification: Pathogenic for Cardiovascular phenotype. Last evaluated: 2026-03-23. Review status: criteria provided, single submitter. Criteria: Ambry Variant Classification Scheme 2023. Collection method: clinical testing. Allele origin: germline.
Comment: The c.727delC pathogenic mutation, located in coding exon 3 of the BAG3 gene, results from a deletion of one nucleotide at nucleotide position 727, causing a translational frameshift with a predicted alternate stop codon (p.H243Tfs*64). This variant occurs at the 3' terminus of the gene, is not expected to trigger nonsense-mediated mRNA decay, and impacts the last 58% of the protein. However, premature stop codons are typically deleterious in nature, a significant portion of the protein is affected, and the impacted region is critical for protein function (Ambry internal data). This variant was identified in one or more individuals with features consistent with dilated cardiomyopathy and segregated with disease in at least one family (Toro R et al. PLoS One, 2016 Jul;11:e0158730). This variant is considered to be rare based on population cohorts in the Genome Aggregation Database (gnomAD). Based on the supporting evidence, this variant is interpreted as a disease-causing mutation.

Literature cited by the submitters: PubMed 27391596.

NM_004281.4(BAG3):c.727del (p.His243fs)

Gene: BAG3 (BAG cochaperone 3; plus strand). Cytogenetic location: 10q26.11.
Variant type: Deletion.
Coding change: c.727del on transcript NM_004281.4 (MANE Select); coding-DNA position 727, one base deleted (C; older notation c.727delC).
Protein change: p.His243fs; shifts the reading frame from histidine 243.
Molecular consequence: frameshift variant.
Genome position (GRCh38, 1-based): chr10:119,672,474, C deleted; the last of 3 consecutive C bases (chr10:119,672,472-119,672,474); deleting any one gives the same sequence. VCF-style (leftmost placement, unchanged base first): chr10-119672471-AC-A. GRCh37 (hg19) VCF-style: chr10-121431983-AC-A.
Other names: c.727delC (NM_004281.3); short protein forms H243fs.
Identifiers: ClinVar variation 4867324 (VCV004867324.1), dbSNP rs2134065242.